The following is an entry in ClinVar:

NM_001365536.1(SCN9A):c.2941G>T (p.Glu981Ter)

Genes: SCN9A (sodium voltage-gated channel alpha subunit 9; minus strand), SCN1A-AS1 (SCN1A and SCN9A antisense RNA 1; plus strand). Cytogenetic location: 2q24.3.
Variant type: single nucleotide variant.
Coding change: c.2941G>T on transcript NM_001365536.1 (MANE Select); coding-DNA position 2941, G replaced by T.
Protein change: p.Glu981Ter; replaces glutamic acid 981 with a stop codon.
Molecular consequence: nonsense.
Genome position (GRCh38, 1-based): chr2:166,272,809, C>A on the plus strand (G>T on the coding strand, the complement: SCN9A is on the minus strand). VCF-style: chr2-166272809-C-A. GRCh37 (hg19) VCF-style: chr2-167129319-C-A.
Other names: c.2908G>T, p.Glu970Ter (NM_002977.4); short protein forms E970*, E981*.
Identifiers: ClinVar variation 2925329 (VCV002925329.3), dbSNP rs1263863618, ClinGen allele CA349074791.

ClinVar aggregate classification (germline): Pathogenic (1 of 4 stars; one submission).

Conditions:
Generalized epilepsy with febrile seizures plus, type 7 (GEFSP7). Also called: GEFS+, TYPE 7. Identifiers: Orphanet 36387, MedGen C2751778, MONDO:0013470, OMIM 613863.
Neuropathy, hereditary sensory and autonomic, type 2A (HSAN2A). Also called: ACROOSTEOLYSIS, GIACCAI TYPE; ACROOSTEOLYSIS, NEUROGENIC; HSAN IIA; WNK1-Related HSAN2 (HSAN2A); MORVAN DISEASE; NEUROPATHY, CONGENITAL SENSORY. Identifiers: Orphanet 970, MedGen C2752089, MONDO:0024309, OMIM 201300.

Allele frequency attached by ClinVar (database versions not stated): gnomAD exomes below 0.00001.
gnomAD v4.1: 2 of 1,520,756 alleles (0.00013%); highest among the groups gnomAD compares: Admixed American, 0.0022%; no homozygotes.

Submission:

Labcorp Genetics (formerly Invitae), Labcorp
Classification: Pathogenic for Neuropathy, hereditary sensory and autonomic, type 2A; Generalized epilepsy with febrile seizures plus, type 7. Last evaluated: 2025-04-27. Review status: criteria provided, single submitter. Criteria: Invitae Variant Classification Sherloc (09022015). Collection method: clinical testing. Allele origin: germline.
Comment: This sequence change creates a premature translational stop signal (p.Glu970*) in the SCN9A gene. It is expected to result in an absent or disrupted protein product. Loss-of-function variants in SCN9A are known to be pathogenic (PMID: 17470132, 19304393). This variant is present in population databases (no rsID available, gnomAD 0.005%). This premature translational stop signal has been observed in individual(s) with autosomal recessive SCN9A-related conditions (PMID: 24813348, 34090020). ClinVar contains an entry for this variant (Variation ID: 2925329). Algorithms developed to predict the effect of sequence changes on RNA splicing suggest that this variant may disrupt the consensus splice site. For these reasons, this variant has been classified as Pathogenic.

Literature cited by the submitters: PubMed 17470132; PubMed 19304393; PubMed 24813348; PubMed 34090020.